The following is an entry in ClinVar:

NM_001367561.1(DOCK7):c.5669T>C (p.Val1890Ala)

Gene: DOCK7 (dedicator of cytokinesis 7; minus strand). Cytogenetic location: 1p31.3.
Variant type: single nucleotide variant.
Coding change: c.5669T>C on transcript NM_001367561.1 (MANE Select); coding-DNA position 5669, T replaced by C.
Protein change: p.Val1890Ala; replaces valine 1890 with alanine.
Molecular consequence: missense variant.
Genome position (GRCh38, 1-based): chr1:62,476,122, A>G on the plus strand (T>C on the coding strand, the complement: DOCK7 is on the minus strand). VCF-style: chr1-62476122-A-G. GRCh37 (hg19) VCF-style: chr1-62941793-A-G.
Other names: c.5636T>C, p.Val1879Ala (NM_001271999.2); c.5549T>C, p.Val1850Ala (NM_001272000.2); c.5543T>C, p.Val1848Ala (NM_001272001.2); c.5642T>C, p.Val1881Ala (NM_001330614.2); c.5576T>C, p.Val1859Ala (NM_033407.4); short protein forms V1848A, V1890A, V1879A, V1850A, V1859A, V1881A.
Identifiers: ClinVar variation 1376472 (VCV001376472.6), dbSNP rs2149260193, ClinGen allele CA340604622.

ClinVar aggregate classification (germline): Uncertain significance (1 of 4 stars; one submission).

Conditions:
Developmental and epileptic encephalopathy, 23 (DEE23). Also called: Epileptic encephalopathy, early infantile, 23. Identifiers: Orphanet 411986, MedGen C4014492, MONDO:0014371, OMIM 615859.

Submission:

Labcorp Genetics (formerly Invitae), Labcorp
Classification: Uncertain significance for Developmental and epileptic encephalopathy, 23. Last evaluated: 2024-08-12. Review status: criteria provided, single submitter. Criteria: Invitae Variant Classification Sherloc (09022015). Collection method: clinical testing. Allele origin: germline.
Comment: This sequence change replaces valine, which is neutral and non-polar, with alanine, which is neutral and non-polar, at codon 1879 of the DOCK7 protein (p.Val1879Ala). This variant is not present in population databases (gnomAD no frequency). This variant has not been reported in the literature in individuals affected with DOCK7-related conditions. ClinVar contains an entry for this variant (Variation ID: 1376472). Advanced modeling of protein sequence and biophysical properties (such as structural, functional, and spatial information, amino acid conservation, physicochemical variation, residue mobility, and thermodynamic stability) performed at Invitae indicates that this missense variant is not expected to disrupt DOCK7 protein function with a negative predictive value of 80%. In summary, the available evidence is currently insufficient to determine the role of this variant in disease. Therefore, it has been classified as a Variant of Uncertain Significance.